The following is an entry in ClinVar:

NM_014516.4(CNOT3):c.821_825dup (p.Asn276fs)

Gene: CNOT3 (CCR4-NOT transcription complex subunit 3; plus strand). Cytogenetic location: 19q13.42.
Variant type: Microsatellite.
Coding change: c.821_825dup on transcript NM_014516.4 (MANE Select); coding-DNA positions 821 to 825, 5 bases duplicated (CAGCC; older notation c.821_825dupCAGCC).
Protein change: p.Asn276fs; shifts the reading frame from asparagine 276.
Molecular consequence: frameshift variant.
Genome position (GRCh38, 1-based): chr19:54,146,027-54,146,031, CAGCC duplicated; duplicating any 5 consecutive bases within chr19:54,146,019-54,146,031 gives the same sequence; the c. name uses the placement nearest the transcript's 3' end. VCF-style (leftmost placement, unchanged base first): chr19-54146018-C-CGCCCA. GRCh37 (hg19) VCF-style: chr19-54649754-C-CGCCCA.
Other names: c.821_825dup (NM_014516.3); short protein forms N276fs.
Identifiers: ClinVar variation 2577980 (VCV002577980.3), dbSNP rs2517611666, ClinGen allele CA2580574602.

ClinVar aggregate classification (germline): Pathogenic. Review status: criteria provided, multiple submitters, no conflicts (2 of 4 stars). 3 submissions from 3 submitters: Pathogenic (2). 1 of the submissions does not count toward it. Last evaluated 2023-08-13.

Conditions:
Intellectual developmental disorder with speech delay, autism, and dysmorphic facies. Identifiers: MedGen C5231456, MONDO:0032864, OMIM 618672.

Submissions (3):

Cytogenetique et Genetique Moleculaire, CHU Besancon
Classification: Pathogenic for Intellectual developmental disorder with speech delay, autism, and dysmorphic facies. Last evaluated: 2023-08-13. Review status: criteria provided, single submitter. Criteria: ACMG Guidelines, 2015. Collection method: clinical testing. Allele origin: germline. Affected: yes.
Comment: The NM_014516.4:c.821_825dup variant is an frameshift variant in CNOT3 which is predicted to result in a premature stop codon, and likely results in an absent or disrupted protein product (PVS1). Another proband with a clinical diagnosis of CNOT3-related disorder carry the same variant (PMID: 31201375). This variant is not present in gnomAD (PM2; v4.1.0). In summary, this variant meets criteria to be classified as pathogenic for CNOT3-related neurodevelopmental disorders based on the ACMG/AMP criteria applied (PVS1 PM2 PM6).

GeneDx
Classification: Pathogenic. Last evaluated: 2023-05-18. Review status: criteria provided, single submitter. Criteria: GeneDx Variant Classification Process June 2021. Collection method: clinical testing. Allele origin: germline. Affected: yes.
Comment: Frameshift variant predicted to result in protein truncation or nonsense mediated decay in a gene for which loss of function is a known mechanism of disease; Not observed at significant frequency in large population cohorts (gnomAD); This variant is associated with the following publications: (PMID: 31201375)

Molecular Genetics laboratory, Necker Hospital
Classification: Pathogenic. Last evaluated: 2021-03-11. Review status: no assertion criteria provided. Collection method: clinical testing. Allele origin: de novo. Affected: yes. Not counted in ClinVar's aggregate classification.

Literature cited by the submitters: PubMed 31201375 (cited by Cytogenetique et Genetique Moleculaire, CHU Besancon).